The following is an entry in ClinVar:

NM_032634.4(PIGO):c.1904C>G (p.Ala635Gly)

Gene: PIGO (phosphatidylinositol glycan anchor biosynthesis class O; minus strand). Cytogenetic location: 9p13.3.
Variant type: single nucleotide variant.
Coding change: c.1904C>G on transcript NM_032634.4 (MANE Select); coding-DNA position 1904, C replaced by G.
Protein change: p.Ala635Gly; replaces alanine 635 with glycine.
Molecular consequence: missense variant. On other transcripts: intron variant (2).
Genome position (GRCh38, 1-based): chr9:35,091,983, G>C on the plus strand (C>G on the coding strand, the complement: PIGO is on the minus strand). VCF-style: chr9-35091983-G-C. GRCh37 (hg19) VCF-style: chr9-35091980-G-C.
Other names: c.1344+560C>G (NM_152850.4, NM_001201484.2); short protein forms A635G.
Identifiers: ClinVar variation 1009107 (VCV001009107.7), dbSNP rs1829445064, ClinGen allele CA373321183.

ClinVar aggregate classification (germline): Uncertain significance (1 of 4 stars; one submission).

Conditions:
Hyperphosphatasia with impaired intellectual development syndrome 2. Also called: Hyperphosphatasia with intellectual disability syndrome 2; GLYCOSYLPHOSPHATIDYLINOSITOL BIOSYNTHESIS DEFECT 6. Identifiers: Orphanet 247262, MedGen C3553637, MONDO:0013882, OMIM 614749.

Allele frequency attached by ClinVar (database versions not stated): gnomAD 0.00001.

Submission:

Labcorp Genetics (formerly Invitae), Labcorp
Classification: Uncertain significance for Hyperphosphatasia with impaired intellectual development syndrome 2. Last evaluated: 2020-08-26. Review status: criteria provided, single submitter. Criteria: Invitae Variant Classification Sherloc (09022015). Collection method: clinical testing. Allele origin: germline.
Comment: In summary, the available evidence is currently insufficient to determine the role of this variant in disease. Therefore, it has been classified as a Variant of Uncertain Significance. Algorithms developed to predict the effect of sequence changes on RNA splicing suggest that this variant may create or strengthen a splice site, but this prediction has not been confirmed by published transcriptional studies. Algorithms developed to predict the effect of missense changes on protein structure and function (SIFT, PolyPhen-2, Align-GVGD) all suggest that this variant is likely to be tolerated, but these predictions have not been confirmed by published functional studies and their clinical significance is uncertain. This variant has not been reported in the literature in individuals with PIGO-related conditions. This variant is not present in population databases (ExAC no frequency). This sequence change replaces alanine with glycine at codon 635 of the PIGO protein (p.Ala635Gly). The alanine residue is moderately conserved and there is a small physicochemical difference between alanine and glycine.